The following is an entry in ClinVar:

ClinVar aggregate classification (germline): Uncertain significance (1 of 4 stars; one submission).

gnomAD v4.1: 1 of 1,614,066 alleles (0.000062%); highest among the groups gnomAD compares: Non-Finnish European, 0.000085%; no homozygotes.

Submission:

GeneDx
Classification: Uncertain significance. Last evaluated: 2025-03-13. Review status: criteria provided, single submitter. Criteria: GeneDx Variant Classification Process June 2021. Collection method: clinical testing. Allele origin: germline. Affected: yes.
Comment: Not observed at significant frequency in large population cohorts (gnomAD); In silico analysis supports that this missense variant has a deleterious effect on protein structure/function; Has not been previously published as pathogenic or benign to our knowledge

NM_000540.3(RYR1):c.10931T>C (p.Leu3644Pro)

Gene: RYR1 (ryanodine receptor 1; plus strand). Cytogenetic location: 19q13.2.
Variant type: single nucleotide variant.
Coding change: c.10931T>C on transcript NM_000540.3 (MANE Select); coding-DNA position 10931, T replaced by C.
Protein change: p.Leu3644Pro; replaces leucine 3644 with proline.
Molecular consequence: missense variant.
Genome position (GRCh38, 1-based): chr19:38,528,412, T>C. VCF-style: chr19-38528412-T-C. GRCh37 (hg19) VCF-style: chr19-39019052-T-C.
Other names: c.10916T>C, p.Leu3639Pro (NM_001042723.2); short protein forms L3639P, L3644P.
Identifiers: ClinVar variation 4083179 (VCV004083179.1).
Genomic context (GRCh38, chr19:38,528,412, plus strand): 5'-TGTCCAAACAGCGCCGGCGGGCAGTCGTGGCCTGTTTCCGTATGACGCCCCTGTACAACC[T>C]GCCCACGTAAGGCCCCCAGGGACAAGGGAAGCGTGAAGGGCTGCGGAGAAAGGGTGGCTG-3'
Protein context (NP_000531.2, residues 3634-3654): ACFRMTPLYN[Leu3644Pro]PTHRACNMFL